The following is an entry in ClinVar:

ClinVar aggregate classification (germline): Uncertain significance (1 of 4 stars; one submission).

Allele frequency attached by ClinVar (database versions not stated): gnomAD exomes below 0.00001; TOPMed below 0.00001.
gnomAD v4.1: 4 of 1,412,664 alleles (0.00028%); highest among the groups gnomAD compares: South Asian, 0.0015%; no homozygotes.

Submission:

Labcorp Genetics (formerly Invitae), Labcorp
Classification: Uncertain significance. Last evaluated: 2021-05-12. Review status: criteria provided, single submitter. Criteria: Invitae Variant Classification Sherloc (09022015). Collection method: clinical testing. Allele origin: germline.
Comment: This sequence change replaces methionine with isoleucine at codon 834 of the SLC9A3 protein (p.Met834Ile). The methionine residue is weakly conserved and there is a small physicochemical difference between methionine and isoleucine. The frequency data for this variant in the population databases is considered unreliable, as metrics indicate insufficient coverage at this position in the ExAC database. This variant has not been reported in the literature in individuals with SLC9A3-related conditions. Algorithms developed to predict the effect of missense changes on protein structure and function are either unavailable or do not agree on the potential impact of this missense change (SIFT: "Not Available"; PolyPhen-2: "Benign"; Align-GVGD: "Not Available"). In summary, the available evidence is currently insufficient to determine the role of this variant in disease. Therefore, it has been classified as a Variant of Uncertain Significance.

NM_004174.4(SLC9A3):c.2502G>C (p.Met834Ile)

Genes: SLC9A3 (solute carrier family 9 member A3), SLC9A3-AS1 (SLC9A3 antisense RNA 1; plus strand). Cytogenetic location: 5p15.33.
Variant type: single nucleotide variant.
Coding change: c.2502G>C on transcript NM_004174.4 (MANE Select); coding-DNA position 2502, G replaced by C.
Protein change: p.Met834Ile; replaces methionine 834 with isoleucine.
Molecular consequence: missense variant. On other transcripts: non-coding transcript variant (1).
Genome position (GRCh38, 1-based): chr5:473,382, C>G on the plus strand (G>C on the coding strand, the complement: SLC9A3 is on the minus strand). VCF-style: chr5-473382-C-G. GRCh37 (hg19) VCF-style: chr5-473497-C-G.
Other names: c.2475G>C, p.Met825Ile (NM_001284351.3); short protein forms M825I, M834I.
Identifiers: ClinVar variation 1394829 (VCV001394829.6), dbSNP rs1245240527, ClinGen allele CA359022380.